The following is an entry in ClinVar:

ClinVar aggregate classification (germline): Likely benign. Review status: criteria provided, multiple submitters, no conflicts (2 of 4 stars). 3 submissions from 3 submitters: Likely benign (3). Last evaluated 2026-07-01.

Conditions:
Tumor predisposition syndrome 3 (TPDS3). Also called: Glioma susceptibility 9; LONG TELOMERE SYNDROME, POT1-RELATED; POT1 Tumor Predisposition; Melanoma, cutaneous malignant, susceptibility to, 10. Identifiers: Orphanet 618, MedGen C4014476, MONDO:0014368, OMIM 615848.

Allele frequency attached by ClinVar (database versions not stated): gnomAD exomes below 0.00001.
gnomAD v4.1: 2 of 1,562,442 alleles (0.00013%); highest among the groups gnomAD compares: Non-Finnish European, 0.00017%; no homozygotes.

Submissions (3):

CeGaT Center for Human Genetics Tuebingen
Classification: Likely benign. Last evaluated: 2026-07-01. Review status: criteria provided, single submitter. Criteria: CeGaT Center For Human Genetics Tuebingen Variant Classification Criteria Version 2. Collection method: clinical testing. Allele origin: germline. Affected: yes. Observed: 4 variant alleles.
Comment: POT1: BP4

Center for Genomic Medicine, Rigshospitalet, Copenhagen University Hospital
Classification: Likely benign. Last evaluated: 2025-03-04. Review status: criteria provided, single submitter. Criteria: ACMG Guidelines, 2015. Collection method: clinical testing. Allele origin: germline.

Labcorp Genetics (formerly Invitae), Labcorp
Classification: Likely benign for Tumor predisposition syndrome 3. Last evaluated: 2024-09-04. Review status: criteria provided, single submitter. Criteria: Invitae Variant Classification Sherloc (09022015). Collection method: clinical testing. Allele origin: germline.

NM_015450.3(POT1):c.1505+8G>A

Gene: POT1 (protection of telomeres 1; minus strand). Cytogenetic location: 7q31.33.
Variant type: single nucleotide variant.
Coding change: c.1505+8G>A on transcript NM_015450.3 (MANE Select); 8 bases into the intron after coding-DNA position 1505, G replaced by A.
Molecular consequence: intron variant.
Genome position (GRCh38, 1-based): chr7:124,835,271, C>T on the plus strand (G>A on the coding strand, the complement: POT1 is on the minus strand). VCF-style: chr7-124835271-C-T. GRCh37 (hg19) VCF-style: chr7-124475325-C-T.
Other names: c.1112+8G>A (NM_001042594.2).
Identifiers: ClinVar variation 736948 (VCV000736948.41), dbSNP rs1364537881, ClinGen allele CA577287865.